The following is an entry in ClinVar:

ClinVar aggregate classification (germline): Uncertain significance. Review status: criteria provided, multiple submitters, no conflicts (2 of 4 stars). 2 submissions from 2 submitters: Uncertain significance (2). Last evaluated 2024-09-04.

Allele frequency attached by ClinVar (database versions not stated): ExAC 0.00014; gnomAD 0.00023; ESP Exome Variant Server 0.00031; TOPMed 0.00039.
gnomAD v4.1: 227 of 1,614,108 alleles (0.014%); highest among the groups gnomAD compares: Non-Finnish European, 0.017%; no homozygotes.

Submissions (2):

Labcorp Genetics (formerly Invitae), Labcorp
Classification: Uncertain significance. Last evaluated: 2024-09-04. Review status: criteria provided, single submitter. Criteria: Invitae Variant Classification Sherloc (09022015). Collection method: clinical testing. Allele origin: germline.
Comment: This sequence change replaces phenylalanine, which is neutral and non-polar, with serine, which is neutral and polar, at codon 336 of the KCNK18 protein (p.Phe336Ser). This variant is present in population databases (rs147749657, gnomAD 0.03%). This variant has not been reported in the literature in individuals affected with KCNK18-related conditions. ClinVar contains an entry for this variant (Variation ID: 2396444). An algorithm developed to predict the effect of missense changes on protein structure and function (PolyPhen-2) suggests that this variant is likely to be disruptive. In summary, the available evidence is currently insufficient to determine the role of this variant in disease. Therefore, it has been classified as a Variant of Uncertain Significance.

Ambry Genetics
Classification: Uncertain significance. Last evaluated: 2024-08-11. Review status: criteria provided, single submitter. Criteria: Ambry Variant Classification Scheme 2023. Collection method: clinical testing. Allele origin: germline.

NM_181840.1(KCNK18):c.1007T>C (p.Phe336Ser)

Gene: KCNK18 (potassium two pore domain channel subfamily K member 18; plus strand). Cytogenetic location: 10q25.3.
Variant type: single nucleotide variant.
Coding change: c.1007T>C on transcript NM_181840.1 (MANE Select); coding-DNA position 1007, T replaced by C.
Protein change: p.Phe336Ser; replaces phenylalanine 336 with serine.
Molecular consequence: missense variant.
Genome position (GRCh38, 1-based): chr10:117,210,151, T>C. VCF-style: chr10-117210151-T-C. GRCh37 (hg19) VCF-style: chr10-118969662-T-C.
Other names: short protein forms F336S.
Identifiers: ClinVar variation 2396444 (VCV002396444.5), dbSNP rs147749657, ClinGen allele CA5710117.